The following is an entry in ClinVar:

ClinVar aggregate classification (germline): Pathogenic (1 of 4 stars; one submission).

Submission:

Labcorp Genetics (formerly Invitae), Labcorp
Classification: Pathogenic. Last evaluated: 2026-01-09. Review status: criteria provided, single submitter. Criteria: Invitae Variant Classification Sherloc (09022015). Collection method: clinical testing. Allele origin: germline.
Comment: This sequence change creates a premature translational stop signal (p.Glu203Lysfs*10) in the OTOF gene. It is expected to result in an absent or disrupted protein product. Loss-of-function variants in OTOF are known to be pathogenic (PMID: 18381613, 19250381, 22575033). This variant is not present in population databases (gnomAD no frequency). This variant has not been reported in the literature in individuals affected with OTOF-related conditions. For these reasons, this variant has been classified as Pathogenic.

Literature cited by the submitters: PubMed 18381613; PubMed 19250381; PubMed 22575033.

NM_194248.3(OTOF):c.607del (p.Glu203fs)

Gene: OTOF (otoferlin; minus strand). Cytogenetic location: 2p23.3.
Variant type: Deletion.
Coding change: c.607del on transcript NM_194248.3 (MANE Select); coding-DNA position 607, one base deleted (G; older notation c.607delG).
Protein change: p.Glu203fs; shifts the reading frame from glutamic acid 203.
Molecular consequence: frameshift variant.
Genome position (GRCh38, 1-based): chr2:26,502,403, C deleted on the plus strand (G on the coding strand, the reverse complement: OTOF is on the minus strand); the first of 2 consecutive C bases (chr2:26,502,403-26,502,404); deleting either gives the same sequence. VCF-style (leftmost placement, unchanged base first): chr2-26502402-TC-T. GRCh37 (hg19) VCF-style: chr2-26725270-TC-T.
Other names: c.607del, p.Glu203fs (NM_001287489.2); short protein forms E203fs.
Identifiers: ClinVar variation 4753023 (VCV004753023.1).
Genomic context (GRCh38, chr2:26,502,402, plus strand): 5'-AGAGACACCGAGTCGGGATCCAGTCCATCTCCTAGCCGAATGGCCAGATGGTCAAGGTCT[TC>T]CATCTCCAGCACCGCCGGTTCATCTGGGGAAGATGAAAGACTGGTTAGGTGGGCTGACTG-3'